The following is an entry in ClinVar:

ClinVar aggregate classification (germline): Likely benign (1 of 4 stars; one submission).

Conditions:
Juvenile polyposis/hereditary hemorrhagic telangiectasia syndrome (JPHT). Also called: JP/HHT SYNDROME; JUVENILE POLYPOSIS WITH HEREDITARY HEMORRHAGIC TELANGIECTASIA; POLYPOSIS, GENERALIZED JUVENILE, WITH PULMONARY ARTERIOVENOUS MALFORMATION; TELANGIECTASIA, HEREDITARY HEMORRHAGIC, WITH JUVENILE POLYPOSIS COLI; Juvenile Polyposis Syndrome / Hereditary Hemorrhagic Telangiectasia (JPS/HHT). Identifiers: Orphanet 2929, MedGen C1832942, MONDO:0008278, OMIM 175050.

Submission:

Myriad Genetics, Inc.
Classification: Likely benign for Juvenile polyposis/hereditary hemorrhagic telangiectasia syndrome. Last evaluated: 2025-03-21. Review status: criteria provided, single submitter. Criteria: Myriad Autosomal Dominant, Autosomal Recessive and X-Linked Classification Criteria (2023). Collection method: clinical testing. Allele origin: unknown.
Comment: This variant is considered likely benign. This variant is intronic and is not expected to impact mRNA splicing.

NM_005359.6(SMAD4):c.1140-10dup

Gene: SMAD4 (SMAD family member 4; plus strand). Cytogenetic location: 18q21.2.
Variant type: Duplication.
Coding change: c.1140-10dup on transcript NM_005359.6 (MANE Select); 10 bases into the intron before coding-DNA position 1140, one base duplicated (T; older notation c.1140-10dupT).
Molecular consequence: intron variant.
Genome position (GRCh38, 1-based): chr18:51,067,009, T duplicated; the last of 6 consecutive T bases (chr18:51,067,004-51,067,009); duplicating any one gives the same sequence. VCF-style (leftmost placement, unchanged base first): chr18-51067003-C-CT. GRCh37 (hg19) VCF-style: chr18-48593373-C-CT.
Other names: c.1140-10dup (NM_001407042.1, NM_001407041.1).
Identifiers: ClinVar variation 3904230 (VCV003904230.1).